The following is an entry in ClinVar:

NM_001007563.3(IGFBPL1):c.208C>T (p.Leu70=)

Gene: IGFBPL1 (insulin like growth factor binding protein like 1; minus strand). Cytogenetic location: 9p13.1.
Variant type: single nucleotide variant.
Coding change: c.208C>T on transcript NM_001007563.3 (MANE Select); coding-DNA position 208, C replaced by T.
Protein change: p.Leu70=; no amino-acid change (leucine 70 retained).
Molecular consequence: synonymous variant.
Genome position (GRCh38, 1-based): chr9:38,424,217, G>A on the plus strand (C>T on the coding strand, the complement: IGFBPL1 is on the minus strand). VCF-style: chr9-38424217-G-A. GRCh37 (hg19) VCF-style: chr9-38424214-G-A.
Identifiers: ClinVar variation 2659199 (VCV002659199.24), dbSNP rs1370213269, ClinGen allele CA465128303.

ClinVar aggregate classification (germline): Likely benign (1 of 4 stars; one submission).

gnomAD v4.1: 2 of 1,185,354 alleles (0.00017%); highest among the groups gnomAD compares: Non-Finnish European, 0.00021%; no homozygotes.

Submission:

CeGaT Center for Human Genetics Tuebingen
Classification: Likely benign. Last evaluated: 2022-05-01. Review status: criteria provided, single submitter. Criteria: CeGaT Center For Human Genetics Tuebingen Variant Classification Criteria Version 2. Collection method: clinical testing. Allele origin: germline. Affected: yes. Observed: 1 variant allele.
Comment: IGFBPL1: PM2:Supporting, BP4, BP7